The following is an entry in ClinVar:

ClinVar aggregate classification (germline): Uncertain significance (1 of 4 stars; one submission).

Submission:

Labcorp Genetics (formerly Invitae), Labcorp
Classification: Uncertain significance. Last evaluated: 2019-11-27. Review status: criteria provided, single submitter. Criteria: Invitae Variant Classification Sherloc (09022015). Collection method: clinical testing. Allele origin: germline.
Comment: This sequence change replaces leucine with proline at codon 1025 of the ABCA4 protein (p.Leu1025Pro). The leucine residue is highly conserved and there is a moderate physicochemical difference between leucine and proline. In summary, the available evidence is currently insufficient to determine the role of this variant in disease. Therefore, it has been classified as a Variant of Uncertain Significance. Algorithms developed to predict the effect of missense changes on protein structure and function (SIFT, PolyPhen-2, Align-GVGD) all suggest that this variant is likely to be disruptive, but these predictions have not been confirmed by published functional studies and their clinical significance is uncertain. This variant has been observed in individual(s) with clinical features of ABCA4-related disease (Invitae). This variant is not present in population databases (ExAC no frequency).

NM_000350.3(ABCA4):c.3074T>C (p.Leu1025Pro)

Gene: ABCA4 (ATP binding cassette subfamily A member 4; minus strand). Cytogenetic location: 1p22.1.
Variant type: single nucleotide variant.
Coding change: c.3074T>C on transcript NM_000350.3 (MANE Select); coding-DNA position 3074, T replaced by C.
Protein change: p.Leu1025Pro; replaces leucine 1025 with proline.
Molecular consequence: missense variant.
Genome position (GRCh38, 1-based): chr1:94,043,452, A>G on the plus strand (T>C on the coding strand, the complement: ABCA4 is on the minus strand). VCF-style: chr1-94043452-A-G. GRCh37 (hg19) VCF-style: chr1-94509008-A-G.
Other names: c.2852T>C, p.Leu951Pro (NM_001425324.1); short protein forms L1025P, L951P.
Identifiers: ClinVar variation 853881 (VCV000853881.9), dbSNP rs1660575947, ClinGen allele CA341292668.